The following is an entry in ClinVar:

ClinVar aggregate classification (germline): Likely benign. Review status: criteria provided, multiple submitters, no conflicts (2 of 4 stars). 2 submissions from 2 submitters: Likely benign (2). Last evaluated 2026-05-01.

gnomAD v4.1: 66 of 1,613,714 alleles (0.0041%); highest among the groups gnomAD compares: South Asian, 0.0066%; no homozygotes.

Submissions (2):

CeGaT Center for Human Genetics Tuebingen
Classification: Likely benign. Last evaluated: 2026-05-01. Review status: criteria provided, single submitter. Criteria: CeGaT Center For Human Genetics Tuebingen Variant Classification Criteria Version 2. Collection method: clinical testing. Allele origin: germline. Affected: yes. Observed: 1 variant allele.
Comment: PUM1: BP4, BP7

Blueprint Genetics
Classification: Likely benign. Last evaluated: 2024-05-13. Review status: criteria provided, single submitter. Criteria: ACMG Guidelines, 2015. Collection method: clinical testing. Allele origin: germline.

NM_001020658.2(PUM1):c.2331C>T (p.Leu777=)

Gene: PUM1 (pumilio RNA binding family member 1; minus strand). Cytogenetic location: 1p35.2.
Variant type: single nucleotide variant.
Coding change: c.2331C>T on transcript NM_001020658.2 (MANE Select); coding-DNA position 2331, C replaced by T.
Protein change: p.Leu777=; no amino-acid change (leucine 777 retained).
Molecular consequence: synonymous variant.
Genome position (GRCh38, 1-based): chr1:30,953,974, G>A on the plus strand (C>T on the coding strand, the complement: PUM1 is on the minus strand). VCF-style: chr1-30953974-G-A. GRCh37 (hg19) VCF-style: chr1-31426821-G-A.
Other names: c.2331C>T, p.Leu777= (NM_014676.3).
Identifiers: ClinVar variation 4873049 (VCV004873049.3).